The following is an entry in ClinVar:

NM_000193.4(SHH):c.585G>A (p.Ser195=)

Gene: SHH (sonic hedgehog signaling molecule; minus strand). Cytogenetic location: 7q36.3.
Variant type: single nucleotide variant.
Coding change: c.585G>A on transcript NM_000193.4 (MANE Select); coding-DNA position 585, G replaced by A.
Protein change: p.Ser195=; no amino-acid change (serine 195 retained).
Molecular consequence: synonymous variant. On other transcripts: intron variant (1).
Genome position (GRCh38, 1-based): chr7:155,803,704, C>T on the plus strand (G>A on the coding strand, the complement: SHH is on the minus strand). VCF-style: chr7-155803704-C-T. GRCh37 (hg19) VCF-style: chr7-155596398-C-T.
Other names: c.585G>A; c.301+2592G>A (NM_001310462.2).
Identifiers: ClinVar variation 65879 (VCV000065879.2), dbSNP rs372353493, ClinGen allele CA345214.
Genomic context (GRCh38, chr7:155,803,704, plus strand): 5'-CACCAGCTTGGTGCCGCCCTGCTCCAGGTGCACCGTGGCCGAGCCCGGGAAGCAGCCTCC[C>T]GATTTGGCCGCCACCGAGTTCTCTGCGGGTGAGGAGAAGGGAAAGAAGAGAGGACAGGGC-3'
Protein context (NP_000184.1, residues 185-205): VKAENSVAAK[Ser195=]GGCFPGSATV

ClinVar aggregate classification (germline): Benign (0 of 4 stars; one submission).

Conditions:
Holoprosencephaly 3 (HPE3). Identifiers: Orphanet 2162, MedGen C1840529, MONDO:0007733, OMIM 142945.

gnomAD v4.1: 3 of 1,597,458 alleles (0.00019%); highest among the groups gnomAD compares: Non-Finnish European, 0.00025%; no homozygotes.

Submission:

GeneReviews
Classification: Benign for Holoprosencephaly. Last evaluated: 2013-08-29. Review status: no assertion criteria provided. Collection method: curation. Allele origin: unknown.
ClinVar note: Converted during submission from non-pathogenic to Benign.